The following is an entry in ClinVar:

NM_198525.3(KIF7):c.1025A>T (p.Tyr342Phe)

Gene: KIF7 (kinesin family member 7; minus strand). Cytogenetic location: 15q26.1.
Variant type: single nucleotide variant.
Coding change: c.1025A>T on transcript NM_198525.3 (MANE Select); coding-DNA position 1025, A replaced by T.
Protein change: p.Tyr342Phe; replaces tyrosine 342 with phenylalanine.
Molecular consequence: missense variant.
Genome position (GRCh38, 1-based): chr15:89,648,673, T>A on the plus strand (A>T on the coding strand, the complement: KIF7 is on the minus strand). VCF-style: chr15-89648673-T-A. GRCh37 (hg19) VCF-style: chr15-90191904-T-A.
Other names: short protein forms Y342F.
Identifiers: ClinVar variation 499464 (VCV000499464.11), dbSNP rs372182012, ClinGen allele CA274582593.

ClinVar aggregate classification (germline): Uncertain significance. Review status: criteria provided, multiple submitters, no conflicts (2 of 4 stars). 3 submissions from 3 submitters: Uncertain significance (3). Last evaluated 2023-11-27.

Conditions:
Inborn genetic diseases. Identifiers: MedGen C0950123, MeSH D030342.
Acrocallosal syndrome (ACLS). Also called: HALLUX DUPLICATION, POSTAXIAL POLYDACTYLY, AND ABSENCE OF CORPUS CALLOSUM; Schinzel syndrome 1; Absence of corpus callosum with unusual facial appearance, mental deficiency, duplication of the halluces and polydactyly. Identifiers: Orphanet 36, MedGen C0796147, MONDO:0008708, OMIM 200990.

Allele frequency attached by ClinVar (database versions not stated): gnomAD exomes 0.00003 and 0.00005; gnomAD 0.00013 and 0.00014; 1000 Genomes Project 30x 0.00016; TOPMed 0.00016.
gnomAD v4.1: 57 of 1,534,976 alleles (0.0037%); highest among the groups gnomAD compares: Middle Eastern, 0.033%; no homozygotes.

Submissions (3):

Labcorp Genetics (formerly Invitae), Labcorp
Classification: Uncertain significance for Acrocallosal syndrome. Last evaluated: 2023-11-27. Review status: criteria provided, single submitter. Criteria: Invitae Variant Classification Sherloc (09022015). Collection method: clinical testing. Allele origin: germline.
Comment: This sequence change replaces tyrosine, which is neutral and polar, with phenylalanine, which is neutral and non-polar, at codon 342 of the KIF7 protein (p.Tyr342Phe). This variant is present in population databases (rs372182012, gnomAD 0.05%). This variant has not been reported in the literature in individuals affected with KIF7-related conditions. ClinVar contains an entry for this variant (Variation ID: 499464). Advanced modeling of protein sequence and biophysical properties (such as structural, functional, and spatial information, amino acid conservation, physicochemical variation, residue mobility, and thermodynamic stability) performed at Invitae indicates that this missense variant is expected to disrupt KIF7 protein function with a positive predictive value of 80%. In summary, the available evidence is currently insufficient to determine the role of this variant in disease. Therefore, it has been classified as a Variant of Uncertain Significance.

Ambry Genetics
Classification: Uncertain significance for Inborn genetic diseases. Last evaluated: 2023-02-16. Review status: criteria provided, single submitter. Criteria: Ambry Variant Classification Scheme 2023. Collection method: clinical testing. Allele origin: germline.

Eurofins Ntd Llc (ga)
Classification: Uncertain significance. Last evaluated: 2017-01-19. Review status: criteria provided, single submitter. Criteria: EGL Classification Definitions 2015. Collection method: clinical testing. Allele origin: germline. Observed: 1 variant allele, 1 heterozygote.